The following is an entry in ClinVar:

ClinVar aggregate classification (germline): Uncertain significance (1 of 4 stars; one submission).

Conditions:
Epileptic encephalopathy. Identifiers: MedGen C0543888, HP:0200134.

Allele frequency attached by ClinVar (database versions not stated): gnomAD exomes 0.00001.
gnomAD v4.1: 8 of 1,613,972 alleles (0.0005%); highest among the groups gnomAD compares: Non-Finnish European, 0.00059%; no homozygotes.

Submission:

Labcorp Genetics (formerly Invitae), Labcorp
Classification: Uncertain significance for Epileptic encephalopathy. Last evaluated: 2020-09-30. Review status: criteria provided, single submitter. Criteria: Invitae Variant Classification Sherloc (09022015). Collection method: clinical testing. Allele origin: germline.
Comment: This sequence change replaces glutamic acid with glutamine at codon 4042 of the RYR3 protein (p.Glu4042Gln). The glutamic acid residue is highly conserved and there is a small physicochemical difference between glutamic acid and glutamine. This variant is not present in population databases (ExAC no frequency). This variant has not been reported in the literature in individuals with RYR3-related conditions. Algorithms developed to predict the effect of missense changes on protein structure and function are either unavailable or do not agree on the potential impact of this missense change (SIFT: "Deleterious"; PolyPhen-2: "Probably Damaging"; Align-GVGD: "Class C0"). In summary, the available evidence is currently insufficient to determine the role of this variant in disease. Therefore, it has been classified as a Variant of Uncertain Significance.

NM_001036.6(RYR3):c.12124G>C (p.Glu4042Gln)

Gene: RYR3 (ryanodine receptor 3; plus strand). Cytogenetic location: 15q14.
Variant type: single nucleotide variant.
Coding change: c.12124G>C on transcript NM_001036.6 (MANE Select); coding-DNA position 12124, G replaced by C.
Protein change: p.Glu4042Gln; replaces glutamic acid 4042 with glutamine.
Molecular consequence: missense variant.
Genome position (GRCh38, 1-based): chr15:33,838,104, G>C. VCF-style: chr15-33838104-G-C. GRCh37 (hg19) VCF-style: chr15-34130305-G-C.
Other names: c.12109G>C, p.Glu4037Gln (NM_001243996.4); short protein forms E4037Q, E4042Q.
Identifiers: ClinVar variation 1039055 (VCV001039055.8), dbSNP rs2078151869, ClinGen allele CA391593961.
Genomic context (GRCh38, chr15:33,838,104, plus strand): 5'-CTAAATTACTTCGAACCCTACCTAGGACGCATCGAGATCATGGGTGGGGCCAAGAAGATT[G>C]AGCGTGTTTATTTTGAGATCAGTGAATCCAGTCGCACTCAGTGGGAGAAGCCCCAGGTGA-3'
Protein context (NP_001027.3, residues 4032-4052): IEIMGGAKKI[Glu4042Gln]RVYFEISESS